The following is an entry in ClinVar:

NM_001849.4(COL6A2):c.1405G>A (p.Gly469Ser)

Gene: COL6A2 (collagen type VI alpha 2 chain; plus strand). Cytogenetic location: 21q22.3.
Variant type: single nucleotide variant.
Coding change: c.1405G>A on transcript NM_001849.4 (MANE Select); coding-DNA position 1405, G replaced by A.
Protein change: p.Gly469Ser; replaces glycine 469 with serine.
Molecular consequence: missense variant.
Genome position (GRCh38, 1-based): chr21:46,121,070, G>A. VCF-style: chr21-46121070-G-A. GRCh37 (hg19) VCF-style: chr21-47540984-G-A.
Other names: c.1405G>A, p.Gly469Ser (NM_058174.3, NM_058175.3); short protein forms G469S.
Identifiers: ClinVar variation 501823 (VCV000501823.17), dbSNP rs369945453, ClinGen allele CA10071868.
Genomic context (GRCh38, chr21:46,121,070, plus strand): 5'-AGGGTGCTGCTGTCAGTCAAGAGAACCCCAAATTCCTCCCCTTTCTTCCAGGGAGACCGA[G>A]GCTTGCCTGGACCCAGAGGCCCCCAGGGAGCTCTTGGGGAGCCCGGAAAGCAGGTCAGTG-3'
Protein context (NP_001840.3, residues 459-479): VGNKGAKGDR[Gly469Ser]LPGPRGPQGA

ClinVar aggregate classification (germline): Uncertain significance. Review status: criteria provided, multiple submitters, no conflicts (2 of 4 stars). 4 submissions from 4 submitters: Uncertain significance (4). Last evaluated 2025-07-11.

Conditions:
COL6A2-related disorder.
Bethlem myopathy 1A. Also called: MYOPATHY, BENIGN CONGENITAL, WITH CONTRACTURES; Bethlem Muscular Dystrophy; Bethlem myopathy 1. Identifiers: Orphanet 610, MedGen CN029274, MONDO:0024530, OMIM 158810.

Allele frequency attached by ClinVar (database versions not stated): gnomAD 0.00001 and 0.00002; gnomAD exomes 0.00002; TOPMed 0.00003; ExAC 0.00004; ESP Exome Variant Server 0.00008; 1000 Genomes Project 30x 0.00016; 1000 Genomes Project 0.00020.
gnomAD v4.1: 29 of 1,612,800 alleles (0.0018%); highest among the groups gnomAD compares: South Asian, 0.0055%; no homozygotes.

Submissions (4):

GeneDx
Classification: Uncertain significance. Last evaluated: 2025-07-11. Review status: criteria provided, single submitter. Criteria: GeneDx Variant Classification Process June 2021. Collection method: clinical testing. Allele origin: germline.
Comment: Replaces the glycine in the canonical Gly-X-Y repeat of the triple helical domain and is expected to disrupt normal protein folding and function, which is an established mechanism of disease (HGMD); In silico analysis supports that this missense variant has a deleterious effect on protein structure/function; Has not been previously published as pathogenic or benign to our knowledge

Labcorp Genetics (formerly Invitae), Labcorp
Classification: Uncertain significance for Bethlem myopathy 1A. Last evaluated: 2024-11-07. Review status: criteria provided, single submitter. Criteria: Invitae Variant Classification Sherloc (09022015). Collection method: clinical testing. Allele origin: germline.
Comment: This sequence change replaces glycine, which is neutral and non-polar, with serine, which is neutral and polar, at codon 469 of the COL6A2 protein (p.Gly469Ser). This variant is present in population databases (rs369945453, gnomAD 0.01%). This variant has not been reported in the literature in individuals affected with COL6A2-related conditions. ClinVar contains an entry for this variant (Variation ID: 501823). Invitae Evidence Modeling of protein sequence and biophysical properties (such as structural, functional, and spatial information, amino acid conservation, physicochemical variation, residue mobility, and thermodynamic stability) indicates that this missense variant is expected to disrupt COL6A2 protein function with a positive predictive value of 80%. In summary, the available evidence is currently insufficient to determine the role of this variant in disease. Therefore, it has been classified as a Variant of Uncertain Significance.

PreventionGenetics, part of Exact Sciences
Classification: Uncertain significance for COL6A2-related condition. Last evaluated: 2022-11-22. Review status: criteria provided, single submitter. Criteria: ACMG Guidelines, 2015. Collection method: clinical testing. Allele origin: germline.
Comment: The COL6A2 c.1405G>A variant is predicted to result in the amino acid substitution p.Gly469Ser. To our knowledge, this variant has not been reported in the literature. This variant is reported in 0.0098% of alleles in individuals of South Asian descent in gnomAD. At this time, the clinical significance of this variant is uncertain due to the absence of conclusive functional and genetic evidence.

Eurofins Ntd Llc (ga)
Classification: Uncertain significance. Last evaluated: 2017-05-03. Review status: criteria provided, single submitter. Criteria: EGL Classification Definitions 2015. Collection method: clinical testing. Allele origin: germline. Observed: 1 variant allele, 1 heterozygote.